The following is an entry in ClinVar:

NM_006164.5(NFE2L2):c.1382C>T (p.Ala461Val)

Gene: NFE2L2 (NFE2 like bZIP transcription factor 2; minus strand). Cytogenetic location: 2q31.2.
Variant type: single nucleotide variant.
Coding change: c.1382C>T on transcript NM_006164.5 (MANE Select); coding-DNA position 1382, C replaced by T.
Protein change: p.Ala461Val; replaces alanine 461 with valine.
Molecular consequence: missense variant.
Genome position (GRCh38, 1-based): chr2:177,231,221, G>A on the plus strand (C>T on the coding strand, the complement: NFE2L2 is on the minus strand). VCF-style: chr2-177231221-G-A. GRCh37 (hg19) VCF-style: chr2-178095949-G-A.
Other names: c.1334C>T, p.Ala445Val (NM_001145412.3, NM_001313900.1, NM_001313901.1); c.1313C>T, p.Ala438Val (NM_001145413.3); c.1292C>T, p.Ala431Val (NM_001313902.2); c.1163C>T, p.Ala388Val (NM_001313903.2); c.1082C>T, p.Ala361Val (NM_001313904.1); short protein forms A361V, A388V, A431V, A438V, A445V, A461V.
Identifiers: ClinVar variation 4528052 (VCV004528052.1).

ClinVar aggregate classification (germline): Uncertain significance (1 of 4 stars; one submission).

Submission:

GeneDx
Classification: Uncertain significance. Last evaluated: 2025-05-01. Review status: criteria provided, single submitter. Criteria: GeneDx Variant Classification Process June 2021. Collection method: clinical testing. Allele origin: germline. Affected: yes.
Comment: Not observed at significant frequency in large population cohorts (gnomAD); In silico analysis supports that this missense variant has a deleterious effect on protein structure/function; Has not been previously published as pathogenic or benign to our knowledge